The following is an entry in ClinVar:

ClinVar aggregate classification (germline): Uncertain significance (1 of 4 stars; one submission).

Allele frequency attached by ClinVar (database versions not stated): TOPMed below 0.00001.
gnomAD v4.1: 4 of 1,606,258 alleles (0.00025%); highest among the groups gnomAD compares: Admixed American, 0.0017%; no homozygotes.

Submission:

Labcorp Genetics (formerly Invitae), Labcorp
Classification: Uncertain significance. Last evaluated: 2024-10-24. Review status: criteria provided, single submitter. Criteria: Invitae Variant Classification Sherloc (09022015). Collection method: clinical testing. Allele origin: germline.
Comment: This sequence change replaces serine, which is neutral and polar, with isoleucine, which is neutral and non-polar, at codon 629 of the PACS2 protein (p.Ser629Ile). This variant is not present in population databases (gnomAD no frequency). This variant has not been reported in the literature in individuals affected with PACS2-related conditions. ClinVar contains an entry for this variant (Variation ID: 2101015). Invitae Evidence Modeling of protein sequence and biophysical properties (such as structural, functional, and spatial information, amino acid conservation, physicochemical variation, residue mobility, and thermodynamic stability) has been performed for this missense variant. However, the output from this modeling did not meet the statistical confidence thresholds required to predict the impact of this variant on PACS2 protein function. In summary, the available evidence is currently insufficient to determine the role of this variant in disease. Therefore, it has been classified as a Variant of Uncertain Significance.

NM_001100913.3(PACS2):c.1886G>T (p.Ser629Ile)

Gene: PACS2 (phosphofurin acidic cluster sorting protein 2; plus strand). Cytogenetic location: 14q32.33.
Variant type: single nucleotide variant.
Coding change: c.1886G>T on transcript NM_001100913.3 (MANE Select); coding-DNA position 1886, G replaced by T.
Protein change: p.Ser629Ile; replaces serine 629 with isoleucine.
Molecular consequence: missense variant.
Genome position (GRCh38, 1-based): chr14:105,384,458, G>T. VCF-style: chr14-105384458-G-T. GRCh37 (hg19) VCF-style: chr14-105850795-G-T.
Other names: c.1649G>T, p.Ser550Ile (NM_001243127.3); c.1874G>T, p.Ser625Ile (NM_015197.4); short protein forms S625I, S550I, S629I.
Identifiers: ClinVar variation 2101015 (VCV002101015.4), dbSNP rs2081102647, ClinGen allele CA391184189.